The following is an entry in ClinVar:

ClinVar aggregate classification (germline): Likely benign (1 of 4 stars; one submission).

Allele frequency attached by ClinVar (database versions not stated): ExAC 0.00006; TOPMed 0.00014; gnomAD 0.00015; 1000 Genomes Project 30x 0.00016; 1000 Genomes Project 0.00020; ESP Exome Variant Server 0.00023.
gnomAD v4.1: 68 of 1,614,180 alleles (0.0042%); highest among the groups gnomAD compares: African/African-American, 0.045%; no homozygotes.

Submission:

CeGaT Center for Human Genetics Tuebingen
Classification: Likely benign. Last evaluated: 2023-09-01. Review status: criteria provided, single submitter. Criteria: CeGaT Center For Human Genetics Tuebingen Variant Classification Criteria Version 2. Collection method: clinical testing. Allele origin: germline. Affected: yes. Observed: 1 variant allele.
Comment: FNDC9: BP4, BP7

NM_001001343.4(FNDC9):c.150C>T (p.His50=)

Genes: CYFIP2 (cytoplasmic FMR1 interacting protein 2; plus strand), FNDC9 (fibronectin type III domain containing 9; minus strand). Cytogenetic location: 5q33.3.
Variant type: single nucleotide variant.
Coding change: c.150C>T on transcript NM_001001343.4 (MANE Select); coding-DNA position 150, C replaced by T.
Protein change: p.His50=; no amino-acid change (histidine 50 retained).
Molecular consequence: synonymous variant. On other transcripts: intron variant (4).
Genome position (GRCh38, 1-based): chr5:157,343,387, G>A on the plus strand (C>T on the coding strand, the complement: FNDC9 is on the minus strand). VCF-style: chr5-157343387-G-A. GRCh37 (hg19) VCF-style: chr5-156770395-G-A.
Other names: c.2748+2230G>A (NM_001291722.2); c.2673+2230G>A (NM_001037333.3, NM_014376.4); c.2595+2230G>A (NM_001291721.2).
Identifiers: ClinVar variation 2655995 (VCV002655995.24), dbSNP rs141889118, ClinGen allele CA3534073.